The following is an entry in ClinVar:

ClinVar aggregate classification (germline): Uncertain significance. Review status: criteria provided, multiple submitters, no conflicts (2 of 4 stars). 2 submissions from 2 submitters: Uncertain significance (2). Last evaluated 2025-04-30.

Conditions:
Charcot-Marie-Tooth disease type 4. Also called: Charcot-Marie-Tooth disease, type IV; Charcot-Marie-Tooth, Type 4. Identifiers: Orphanet 64749, MedGen C4082197, MONDO:0018995.

Allele frequency attached by ClinVar (database versions not stated): gnomAD exomes 0.00002; ExAC 0.00003; gnomAD 0.00007 and 0.00008; TOPMed 0.00007; 1000 Genomes Project 30x 0.00016; 1000 Genomes Project 0.00020.
gnomAD v4.1: 32 of 1,613,204 alleles (0.002%); highest among the groups gnomAD compares: African/African-American, 0.023%; no homozygotes.

Submissions (2):

Labcorp Genetics (formerly Invitae), Labcorp
Classification: Uncertain significance for Charcot-Marie-Tooth disease type 4. Last evaluated: 2025-04-30. Review status: criteria provided, single submitter. Criteria: Invitae Variant Classification Sherloc (09022015). Collection method: clinical testing. Allele origin: germline.
Comment: This sequence change replaces proline, which is neutral and non-polar, with leucine, which is neutral and non-polar, at codon 549 of the PRX protein (p.Pro549Leu). This variant is present in population databases (rs150582069, gnomAD 0.03%). This variant has not been reported in the literature in individuals affected with PRX-related conditions. ClinVar contains an entry for this variant (Variation ID: 1387228). An algorithm developed to predict the effect of missense changes on protein structure and function (PolyPhen-2) suggests that this variant is likely to be tolerated. In summary, the available evidence is currently insufficient to determine the role of this variant in disease. Therefore, it has been classified as a Variant of Uncertain Significance.

Athena Diagnostics
Classification: Uncertain significance. Last evaluated: 2024-08-01. Review status: criteria provided, single submitter. Criteria: Athena Diagnostics Criteria. Collection method: clinical testing. Allele origin: unknown.
Comment: Available data are insufficient to determine the clinical significance of the variant at this time. The frequency of this variant in the general population is uninformative in assessment of its pathogenicity. Polyphen and MutationTaster predict this amino acid change may be benign.

NM_181882.3(PRX):c.1646C>T (p.Pro549Leu)

Gene: PRX (periaxin; minus strand). Cytogenetic location: 19q13.2.
Variant type: single nucleotide variant.
Coding change: c.1646C>T on transcript NM_181882.3 (MANE Select); coding-DNA position 1646, C replaced by T.
Protein change: p.Pro549Leu; replaces proline 549 with leucine.
Molecular consequence: missense variant. On other transcripts: 3 prime UTR variant (1).
Genome position (GRCh38, 1-based): chr19:40,396,706, G>A on the plus strand (C>T on the coding strand, the complement: PRX is on the minus strand). VCF-style: chr19-40396706-G-A. GRCh37 (hg19) VCF-style: chr19-40902613-G-A.
Other names: c.*1851C>T (NM_020956.2); c.1646C>T (NM_181882.2); short protein forms P549L.
Identifiers: ClinVar variation 1387228 (VCV001387228.7), dbSNP rs150582069, ClinGen allele CA9444223.